The following is an entry in ClinVar:

ClinVar aggregate classification (germline): Likely pathogenic (1 of 4 stars; one submission).

Conditions:
Adenine phosphoribosyltransferase deficiency (APRTD). Also called: Urolithiasis, dha; APRT DEFICIENCY; NEPHROLITHIASIS, DHA; 2,8-dihydroxyadenine urolithiasis. Identifiers: Orphanet 976, MedGen C0268120, MONDO:0013869, OMIM 614723.

Submission:

Juno Genomics, Hangzhou Juno Genomics, Inc
Classification: Likely pathogenic for Adenine phosphoribosyltransferase deficiency. Review status: criteria provided, single submitter. Criteria: ACMG Guidelines, 2015. Collection method: clinical testing. Allele origin: germline.
Comment: Null variant in a gene where loss of function (LOF) is a known mechanism of disease.;Absent from controls (or at extremely low frequency if recessive) in Genome Aggregation Database.

NM_000485.3(APRT):c.212_213del (p.Phe71fs)

Gene: APRT (adenine phosphoribosyltransferase; minus strand). Cytogenetic location: 16q24.3.
Variant type: Deletion.
Coding change: c.212_213del on transcript NM_000485.3 (MANE Select); coding-DNA positions 212 to 213, 2 bases deleted (TT; older notation c.212_213delTT).
Protein change: p.Phe71fs; shifts the reading frame from phenylalanine 71.
Molecular consequence: frameshift variant.
Genome position (GRCh38, 1-based): chr16:88,810,531-88,810,532, AA deleted on the plus strand (TT on the coding strand, the reverse complement: APRT is on the minus strand); deleting any 2 consecutive bases within chr16:88,810,531-88,810,533 gives the same sequence; the c. name uses the placement nearest the transcript's 3' end. VCF-style (leftmost placement, unchanged base first): chr16-88810530-CAA-C. GRCh37 (hg19) VCF-style: chr16-88876938-CAA-C.
Other names: c.212_213del, p.Phe71fs (NM_001030018.2); short protein forms F71fs.
Identifiers: ClinVar variation 5005660 (VCV005005660.2).